The following is an entry in ClinVar:

ClinVar aggregate classification (germline): Uncertain significance. Review status: criteria provided, multiple submitters, no conflicts (2 of 4 stars). 6 submissions from 6 submitters: Uncertain significance (6). Last evaluated 2026-08-05.

Conditions:
Cardiovascular phenotype. Identifiers: MedGen CN230736.
Dilated cardiomyopathy 1EE (CMD1EE). Identifiers: Orphanet 154, MedGen C2750466, MONDO:0013198, OMIM 613252.
Hypertrophic cardiomyopathy 14. Identifiers: MedGen C2750467, MONDO:0013197, OMIM 613251.
Atrial septal defect 3 (ASD3). Identifiers: Orphanet 1478, MedGen C3279790, MONDO:0013567, OMIM 614089.
Hypertrophic cardiomyopathy 1 (CMH1). Also called: MYH7-Related Familial Hypertrophic Cardiomyopathy; Familial hypertrophic cardiomyopathy 1. Identifiers: MedGen C3495498, MONDO:0008647, OMIM 192600.
Sick sinus syndrome 3, susceptibility to (SSS3). Identifiers: Orphanet 166282, MedGen C3279791, MONDO:0013568, OMIM 614090.
MYH6-related congenital heart defects.

Allele frequency attached by ClinVar (database versions not stated): gnomAD exomes 0.00001; ExAC 0.00002; gnomAD 0.00008 and 0.00009; TOPMed 0.00014; 1000 Genomes Project 30x 0.00016; 1000 Genomes Project 0.00020.
gnomAD v4.1: 22 of 1,512,900 alleles (0.0015%); highest among the groups gnomAD compares: Admixed American, 0.027%; no homozygotes.

Submissions (6):

GeneDx
Classification: Uncertain significance. Last evaluated: 2026-08-05. Review status: criteria provided, single submitter. Criteria: GeneDx Variant Classification Process June 2021. Collection method: clinical testing. Allele origin: germline.
Comment: Not observed at significant frequency in large population cohorts (gnomAD); In silico analysis suggests that this missense variant does not alter protein structure/function; Has not been previously published as pathogenic or benign to our knowledge

Clinical Genomics Laboratory, Washington University in St. Louis
Classification: Uncertain significance for MYH6-related congenital heart defects. Last evaluated: 2025-10-31. Review status: criteria provided, single submitter. Criteria: ACMG Guidelines, 2015. Collection method: clinical testing. Allele origin: germline.
Comment: An MYH6 c.3274C>G (p.Gln1092Glu) variant was identified in a heterozygous state. This variant, to our knowledge, has not been reported in the medical literature. It has been reported in the ClinVar database as a germline variant of uncertain significance by five submitters (Variation ID: 1492825). It is only observed on 3/251,422 alleles in the general population (gnomAD v2.1.1), indicating it is not a common variant. Computational predictors suggest that the variant does not impact MYH6 function. The clinical significance of this variant is uncertain.

Ambry Genetics
Classification: Uncertain significance for Cardiovascular phenotype. Last evaluated: 2025-08-09. Review status: criteria provided, single submitter. Criteria: Ambry Variant Classification Scheme 2023. Collection method: clinical testing. Allele origin: germline.
Comment: The p.Q1092E variant (also known as c.3274C>G), located in coding exon 23 of the MYH6 gene, results from a C to G substitution at nucleotide position 3274. The glutamine at codon 1092 is replaced by glutamic acid, an amino acid with highly similar properties. This amino acid position is not well conserved in available vertebrate species. In addition, this alteration is predicted to be tolerated by in silico analysis. Since supporting evidence is limited at this time, the clinical significance of this alteration remains unclear.

Labcorp Genetics (formerly Invitae), Labcorp
Classification: Uncertain significance for Hypertrophic cardiomyopathy 14. Last evaluated: 2025-06-22. Review status: criteria provided, single submitter. Criteria: Invitae Variant Classification Sherloc (09022015). Collection method: clinical testing. Allele origin: germline.
Comment: This sequence change replaces glutamine, which is neutral and polar, with glutamic acid, which is acidic and polar, at codon 1092 of the MYH6 protein (p.Gln1092Glu). This variant is present in population databases (rs567433969, gnomAD 0.007%). This variant has not been reported in the literature in individuals affected with MYH6-related conditions. ClinVar contains an entry for this variant (Variation ID: 1492825). Invitae Evidence Modeling of protein sequence and biophysical properties (such as structural, functional, and spatial information, amino acid conservation, physicochemical variation, residue mobility, and thermodynamic stability) indicates that this missense variant is expected to disrupt MYH6 protein function with a positive predictive value of 80%. In summary, the available evidence is currently insufficient to determine the role of this variant in disease. Therefore, it has been classified as a Variant of Uncertain Significance.

Revvity Omics, Revvity
Classification: Uncertain significance. Last evaluated: 2023-01-01. Review status: criteria provided, single submitter. Criteria: ACMG Guidelines, 2015. Collection method: clinical testing. Allele origin: germline.

Fulgent Genetics
Classification: Uncertain significance for Hypertrophic cardiomyopathy 1; Hypertrophic cardiomyopathy 14; Dilated cardiomyopathy 1EE; Atrial septal defect 3; Sick sinus syndrome 3, susceptibility to. Last evaluated: 2021-07-16. Review status: criteria provided, single submitter. Criteria: ACMG Guidelines, 2015. Collection method: clinical testing. Allele origin: unknown.

NM_002471.4(MYH6):c.3274C>G (p.Gln1092Glu)

Gene: MYH6 (myosin heavy chain 6; minus strand). Cytogenetic location: 14q11.2.
Variant type: single nucleotide variant.
Coding change: c.3274C>G on transcript NM_002471.4 (MANE Select); coding-DNA position 3274, C replaced by G.
Protein change: p.Gln1092Glu; replaces glutamine 1092 with glutamic acid.
Molecular consequence: missense variant.
Genome position (GRCh38, 1-based): chr14:23,392,630, G>C on the plus strand (C>G on the coding strand, the complement: MYH6 is on the minus strand). VCF-style: chr14-23392630-G-C. GRCh37 (hg19) VCF-style: chr14-23861839-G-C.
Other names: short protein forms Q1092E.
Identifiers: ClinVar variation 1492825 (VCV001492825.20), dbSNP rs567433969, ClinGen allele CA7115237.